The following is an entry in ClinVar:

NM_017649.5(CNNM2):c.980A>G (p.Asn327Ser)

Gene: CNNM2 (cyclin and CBS domain divalent metal cation transport mediator 2; plus strand). Cytogenetic location: 10q24.32.
Variant type: single nucleotide variant.
Coding change: c.980A>G on transcript NM_017649.5 (MANE Select); coding-DNA position 980, A replaced by G.
Protein change: p.Asn327Ser; replaces asparagine 327 with serine.
Molecular consequence: missense variant.
Genome position (GRCh38, 1-based): chr10:102,919,460, A>G. VCF-style: chr10-102919460-A-G. GRCh37 (hg19) VCF-style: chr10-104679217-A-G.
Other names: c.980A>G, p.Asn327Ser (NM_199076.3, NM_199077.3); short protein forms N327S.
Identifiers: ClinVar variation 2581787 (VCV002581787.3), dbSNP rs2493375701, ClinGen allele CA377959210.

ClinVar aggregate classification (germline): Likely pathogenic. Review status: criteria provided, multiple submitters, no conflicts (2 of 4 stars). 2 submissions from 2 submitters: Likely pathogenic (2). Last evaluated 2026-01-27.

Submissions (2):

Revvity Omics, Revvity
Classification: Likely pathogenic. Last evaluated: 2026-01-27. Review status: criteria provided, single submitter. Criteria: ACMG Guidelines, 2015. Collection method: clinical testing. Allele origin: germline.

GeneDx
Classification: Likely pathogenic. Last evaluated: 2025-08-13. Review status: criteria provided, single submitter. Criteria: GeneDx Variant Classification Process June 2021. Collection method: clinical testing. Allele origin: germline. Affected: yes.
Comment: Not observed at significant frequency in large population cohorts (gnomAD); In silico analysis supports that this missense variant has a deleterious effect on protein structure/function; Has not been previously published as pathogenic or benign to our knowledge